The following is an entry in ClinVar:

NM_021927.3(GUF1):c.1564G>T (p.Val522Leu)

Gene: GUF1 (GTP binding elongation factor GUF1; plus strand). Cytogenetic location: 4p12.
Variant type: single nucleotide variant.
Coding change: c.1564G>T on transcript NM_021927.3 (MANE Select); coding-DNA position 1564, G replaced by T.
Protein change: p.Val522Leu; replaces valine 522 with leucine.
Molecular consequence: missense variant.
Genome position (GRCh38, 1-based): chr4:44,691,750, G>T. VCF-style: chr4-44691750-G-T. GRCh37 (hg19) VCF-style: chr4-44693767-G-T.
Other names: c.592G>T, p.Val198Leu (NM_001345867.2, NM_001345869.2); c.1564G>T, p.Val522Leu (NM_001345868.2); short protein forms V198L, V522L.
Identifiers: ClinVar variation 1462996 (VCV001462996.6), dbSNP rs755218219, ClinGen allele CA2905684.

ClinVar aggregate classification (germline): Uncertain significance (1 of 4 stars; one submission).

Allele frequency attached by ClinVar (database versions not stated): ExAC 0.00001; gnomAD 0.00002.
gnomAD v4.1: 13 of 1,590,344 alleles (0.00082%); highest among the groups gnomAD compares: African/African-American, 0.0027%; no homozygotes.

Submission:

Labcorp Genetics (formerly Invitae), Labcorp
Classification: Uncertain significance. Last evaluated: 2021-10-22. Review status: criteria provided, single submitter. Criteria: Invitae Variant Classification Sherloc (09022015). Collection method: clinical testing. Allele origin: germline.
Comment: This variant is present in population databases (rs755218219, ExAC 0.002%). In summary, the available evidence is currently insufficient to determine the role of this variant in disease. Therefore, it has been classified as a Variant of Uncertain Significance. Algorithms developed to predict the effect of missense changes on protein structure and function are either unavailable or do not agree on the potential impact of this missense change (SIFT: "Tolerated"; PolyPhen-2: "Probably Damaging"; Align-GVGD: "Class C0"). This variant has not been reported in the literature in individuals affected with GUF1-related conditions. This sequence change replaces valine with leucine at codon 522 of the GUF1 protein (p.Val522Leu). The valine residue is highly conserved and there is a small physicochemical difference between valine and leucine.